The following is an entry in ClinVar:

ClinVar aggregate classification (germline): Uncertain significance. Review status: criteria provided, multiple submitters, no conflicts (2 of 4 stars). 2 submissions from 2 submitters: Uncertain significance (2). Last evaluated 2022-08-05.

Conditions:
Cardiovascular phenotype. Identifiers: MedGen CN230736.
Hereditary cancer-predisposing syndrome. Also called: Neoplastic Syndromes, Hereditary; Hereditary Cancer Syndrome; Tumor predisposition; Hereditary neoplastic syndrome. Identifiers: Orphanet 140162, MedGen C0027672, MeSH D009386, MONDO:0015356.
Neurofibromatosis, type 1 (NF1). Also called: Peripheral type neurofibromatosis; VON RECKLINGHAUSEN DISEASE; NEUROFIBROMATOSIS, TYPE I, SOMATIC; Neurofibromatosis, type I. Identifiers: Orphanet 636, MedGen C0027831, MONDO:0018975, OMIM 162200. Disease mechanism: loss of function.

Submissions (2):

Ambry Genetics
Classification: Uncertain significance for Cardiovascular phenotype; Hereditary cancer-predisposing syndrome. Last evaluated: 2022-08-05. Review status: criteria provided, single submitter. Criteria: Ambry Variant Classification Scheme 2023. Collection method: clinical testing. Allele origin: germline.
Comment: The p.T774A variant (also known as c.2320A>G), located in coding exon 19 of the NF1 gene, results from an A to G substitution at nucleotide position 2320. The threonine at codon 774 is replaced by alanine, an amino acid with similar properties. This amino acid position is conserved. In addition, this alteration is predicted to be tolerated by in silico analysis. Since supporting evidence is limited at this time, the clinical significance of this alteration remains unclear.

Labcorp Genetics (formerly Invitae), Labcorp
Classification: Uncertain significance for Neurofibromatosis, type 1. Last evaluated: 2021-05-25. Review status: criteria provided, single submitter. Criteria: Invitae Variant Classification Sherloc (09022015). Collection method: clinical testing. Allele origin: germline.
Comment: This variant is not present in population databases (ExAC no frequency). In summary, the available evidence is currently insufficient to determine the role of this variant in disease. Therefore, it has been classified as a Variant of Uncertain Significance. Advanced modeling of protein sequence and biophysical properties (such as structural, functional, and spatial information, amino acid conservation, physicochemical variation, residue mobility, and thermodynamic stability) performed at Invitae indicates that this missense variant is not expected to disrupt NF1 protein function. This variant has not been reported in the literature in individuals with NF1-related conditions. This sequence change replaces threonine with alanine at codon 774 of the NF1 protein (p.Thr774Ala). The threonine residue is weakly conserved and there is a small physicochemical difference between threonine and alanine.

NM_001042492.3(NF1):c.2320A>G (p.Thr774Ala)

Gene: NF1 (neurofibromin 1; plus strand). Cytogenetic location: 17q11.2.
Variant type: single nucleotide variant.
Coding change: c.2320A>G on transcript NM_001042492.3 (MANE Select); coding-DNA position 2320, A replaced by G.
Protein change: p.Thr774Ala; replaces threonine 774 with alanine.
Molecular consequence: missense variant.
Genome position (GRCh38, 1-based): chr17:31,227,286, A>G. VCF-style: chr17-31227286-A-G. GRCh37 (hg19) VCF-style: chr17-29554304-A-G.
Other names: c.2320A>G, p.Thr774Ala (NM_000267.4); short protein forms T774A.
Identifiers: ClinVar variation 1436672 (VCV001436672.10), dbSNP rs2151427000, ClinGen allele CA398982923.